The following is an entry in ClinVar:

NM_006206.6(PDGFRA):c.3208A>T (p.Ile1070Phe)

Gene: PDGFRA (platelet derived growth factor receptor alpha; plus strand). Cytogenetic location: 4q12.
Variant type: single nucleotide variant.
Coding change: c.3208A>T on transcript NM_006206.6 (MANE Select); coding-DNA position 3208, A replaced by T.
Protein change: p.Ile1070Phe; replaces isoleucine 1070 with phenylalanine.
Molecular consequence: missense variant.
Genome position (GRCh38, 1-based): chr4:54,295,210, A>T. VCF-style: chr4-54295210-A-T. GRCh37 (hg19) VCF-style: chr4-55161377-A-T.
Other names: c.3283A>T, p.Ile1095Phe (NM_001347828.2); c.3208A>T, p.Ile1070Phe (NM_001347829.2); c.3247A>T, p.Ile1083Phe (NM_001347830.2); short protein forms I1070F, I1095F, I1083F.
Identifiers: ClinVar variation 3664229 (VCV003664229.2).
Genomic context (GRCh38, chr4:54,295,210, plus strand): 5'-ATTGAGACGGGTTCCAGCAGTTCCACCTTCATCAAGAGAGAGGACGAGACCATTGAAGAC[A>T]TCGACATGATGGATGACATCGGCATAGACTCTTCAGACCTGGTGGAAGACAGCTTCCTGT-3'
Protein context (NP_006197.1, residues 1060-1080): IKREDETIED[Ile1070Phe]DMMDDIGIDS

ClinVar aggregate classification (germline): Uncertain significance (1 of 4 stars; one submission).

Conditions:
Gastrointestinal stromal tumor. Also called: Gastrointestinal stromal tumor, somatic; Gastrointestinal stroma tumor. Identifiers: Orphanet 44890, MedGen C0238198, MeSH D046152, MONDO:0011719, OMIM 606764, HP:0100723.

gnomAD v4.1: 1 of 1,613,876 alleles (0.000062%); highest among the groups gnomAD compares: Non-Finnish European, 0.000085%; no homozygotes.

Submission:

Labcorp Genetics (formerly Invitae), Labcorp
Classification: Uncertain significance for Gastrointestinal stromal tumor. Last evaluated: 2024-09-02. Review status: criteria provided, single submitter. Criteria: Invitae Variant Classification Sherloc (09022015). Collection method: clinical testing. Allele origin: germline.
Comment: This sequence change replaces isoleucine, which is neutral and non-polar, with phenylalanine, which is neutral and non-polar, at codon 1070 of the PDGFRA protein (p.Ile1070Phe). This variant is not present in population databases (gnomAD no frequency). This variant has not been reported in the literature in individuals affected with PDGFRA-related conditions. An algorithm developed to predict the effect of missense changes on protein structure and function (PolyPhen-2) suggests that this variant is likely to be disruptive. In summary, the available evidence is currently insufficient to determine the role of this variant in disease. Therefore, it has been classified as a Variant of Uncertain Significance.